The following is an entry in ClinVar:

NM_004006.3(DMD):c.2558T>G (p.Leu853Trp)

Gene: DMD (dystrophin; minus strand). Cytogenetic location: Xp21.1.
Variant type: single nucleotide variant.
Coding change: c.2558T>G on transcript NM_004006.3 (MANE Select); coding-DNA position 2558, T replaced by G.
Protein change: p.Leu853Trp; replaces leucine 853 with tryptophan.
Molecular consequence: missense variant.
Genome position (GRCh38, 1-based): chrX:32,491,341, A>C on the plus strand (T>G on the coding strand, the complement: DMD is on the minus strand). VCF-style: chrX-32491341-A-C. GRCh37 (hg19) VCF-style: chrX-32509458-A-C.
Other names: c.2534T>G, p.Leu845Trp (NM_000109.4); c.2546T>G, p.Leu849Trp (NM_004009.3); c.2189T>G, p.Leu730Trp (NM_004010.3); short protein forms L730W, L845W, L853W, L849W.
Identifiers: ClinVar variation 1437720 (VCV001437720.8), dbSNP rs2148630970, ClinGen allele CA412672061.

ClinVar aggregate classification (germline): Uncertain significance (1 of 4 stars; one submission).

Conditions:
Duchenne muscular dystrophy (DMD). Also called: Duchenne Muscular Dystrophy (DMD); MUSCULAR DYSTROPHY, PSEUDOHYPERTROPHIC PROGRESSIVE, DUCHENNE TYPE. Identifiers: Orphanet 98896, MedGen C0013264, MONDO:0010679, OMIM 310200.

Submission:

Labcorp Genetics (formerly Invitae), Labcorp
Classification: Uncertain significance for Duchenne muscular dystrophy. Last evaluated: 2021-04-17. Review status: criteria provided, single submitter. Criteria: Invitae Variant Classification Sherloc (09022015). Collection method: clinical testing. Allele origin: germline.
Comment: This sequence change replaces leucine with tryptophan at codon 853 of the DMD protein (p.Leu853Trp). The leucine residue is highly conserved and there is a small physicochemical difference between leucine and tryptophan. This variant is not present in population databases (ExAC no frequency). This variant has not been reported in the literature in individuals with DMD-related conditions. Algorithms developed to predict the effect of missense changes on protein structure and function output the following: SIFT: "Tolerated"; PolyPhen-2: "Benign"; Align-GVGD: "Class C0". The tryptophan amino acid residue is found in multiple mammalian species, suggesting that this missense change does not adversely affect protein function. These predictions have not been confirmed by published functional studies and their clinical significance is uncertain. In summary, the available evidence is currently insufficient to determine the role of this variant in disease. Therefore, it has been classified as a Variant of Uncertain Significance.